The following is an entry in ClinVar:

ClinVar aggregate classification (germline): Likely benign (1 of 4 stars; one submission).

Conditions:
KLC2-related disorder. Also called: KLC2-related condition.

Submission:

PreventionGenetics, part of Exact Sciences
Classification: Likely benign for KLC2-related condition. Last evaluated: 2026-08-18. Review status: criteria provided, single submitter. Criteria: ACMG Guidelines, 2015. Collection method: clinical testing. Allele origin: germline.
Comment: This variant is classified as likely benign based on ACMG/AMP sequence variant interpretation guidelines (Richards et al. 2015 PMID: 25741868, with internal and published modifications).

NM_001318734.2(KLC2):c.1191T>C (p.His397=)

Genes: KLC2 (kinesin light chain 2; plus strand), KLC2-AS1 (KLC2 antisense RNA 1; minus strand). Cytogenetic location: 11q13.2.
Variant type: single nucleotide variant.
Coding change: c.1191T>C on transcript NM_001318734.2 (MANE Select); coding-DNA position 1191, T replaced by C.
Protein change: p.His397=; no amino-acid change (histidine 397 retained).
Molecular consequence: synonymous variant.
Genome position (GRCh38, 1-based): chr11:66,264,419, T>C. VCF-style: chr11-66264419-T-C. GRCh37 (hg19) VCF-style: chr11-66031890-T-C.
Other names: c.960T>C, p.His320= (NM_001134774.2); c.1191T>C, p.His397= (NM_001134775.2, NM_001134776.2, NM_022822.3).
Identifiers: ClinVar variation 4979063 (VCV004979063.1).